The following is an entry in ClinVar:

NM_000245.4(MET):c.713T>C (p.Leu238Ser)

Gene: MET (MET proto-oncogene, receptor tyrosine kinase; plus strand). Cytogenetic location: 7q31.2.
Variant type: single nucleotide variant.
Coding change: c.713T>C on transcript NM_000245.4 (MANE Select); coding-DNA position 713, T replaced by C.
Protein change: p.Leu238Ser; replaces leucine 238 with serine.
Molecular consequence: missense variant. On other transcripts: intron variant (1).
Genome position (GRCh38, 1-based): chr7:116,699,797, T>C. VCF-style: chr7-116699797-T-C. GRCh37 (hg19) VCF-style: chr7-116339851-T-C.
Other names: c.713T>C, p.Leu238Ser (NM_001127500.3, NM_001324401.3); c.-91+27220T>C (NM_001324402.2); c.713T>C (NM_001127500.2); short protein forms L238S.
Identifiers: ClinVar variation 135976 (VCV000135976.20), dbSNP rs34349517, ClinGen allele CA332695.
Genomic context (GRCh38, chr7:116,699,797, plus strand): 5'-GGCTAAAGGAAACGAAAGATGGTTTTATGTTTTTGACGGACCAGTCCTACATTGATGTTT[T>C]ACCTGAGTTCAGAGATTCTTACCCCATTAAGTATGTCCATGCCTTTGAAAGCAACAATTT-3'
Protein context (NP_000236.2, residues 228-248): FLTDQSYIDV[Leu238Ser]PEFRDSYPIK

ClinVar aggregate classification (germline): Conflicting classifications of pathogenicity. Review status: criteria provided, conflicting classifications (1 of 4 stars). 5 submissions from 5 submitters: Uncertain significance (2); Benign (1); Likely benign (1). 1 of the submissions does not count toward it. Last evaluated 2026-01-31.

Conditions:
MET-related disorder. Also called: MET-related condition.
Renal cell carcinoma. Identifiers: Orphanet 217071, MedGen C0007134, MeSH D002292, MONDO:0005086, HP:0005584.
Hereditary cancer-predisposing syndrome. Also called: Tumor predisposition; Hereditary neoplastic syndrome; Neoplastic Syndromes, Hereditary; Hereditary Cancer Syndrome. Identifiers: Orphanet 140162, MedGen C0027672, MeSH D009386, MONDO:0015356.

Allele frequency attached by ClinVar (database versions not stated): gnomAD below 0.00001 and 0.00005; TOPMed 0.00001; gnomAD exomes 0.00010 and 0.00021; ExAC 0.00019.
gnomAD v4.1: 155 of 1,614,012 alleles (0.0096%); highest among the groups gnomAD compares: South Asian, 0.16%; 1 homozygote.

Submissions (5):

Labcorp Genetics (formerly Invitae), Labcorp
Classification: Likely benign for Renal cell carcinoma. Last evaluated: 2026-01-31. Review status: criteria provided, single submitter. Criteria: Invitae Variant Classification Sherloc (09022015). Collection method: clinical testing. Allele origin: germline.

Ambry Genetics
Classification: Benign for Hereditary cancer-predisposing syndrome. Last evaluated: 2024-02-27. Review status: criteria provided, single submitter. Criteria: Ambry Variant Classification Scheme 2023. Collection method: clinical testing. Allele origin: germline.

Revvity Omics, Revvity
Classification: Uncertain significance. Last evaluated: 2023-12-01. Review status: criteria provided, single submitter. Criteria: ACMG Guidelines, 2015. Collection method: clinical testing. Allele origin: germline.

GeneDx
Classification: Uncertain significance. Last evaluated: 2022-06-09. Review status: criteria provided, single submitter. Criteria: GeneDx Variant Classification Process June 2021. Collection method: clinical testing. Allele origin: germline. Affected: yes.
Comment: In silico analysis supports that this missense variant has a deleterious effect on protein structure/function; Has not been previously published as pathogenic or benign to our knowledge

PreventionGenetics, part of Exact Sciences
Classification: Likely benign for MET-related condition. Last evaluated: 2023-06-23. Review status: no assertion criteria provided. Collection method: clinical testing. Allele origin: germline. Not counted in ClinVar's aggregate classification.
Comment: This variant is classified as likely benign based on ACMG/AMP sequence variant interpretation guidelines (Richards et al. 2015 PMID: 25741868, with internal and published modifications).

Literature cited by the submitters: PubMed 29641532 (cited by Ambry Genetics).